The following is an entry in ClinVar:

ClinVar aggregate classification (germline): Uncertain significance (1 of 4 stars; one submission).

Submission:

Labcorp Genetics (formerly Invitae), Labcorp
Classification: Uncertain significance. Last evaluated: 2022-06-29. Review status: criteria provided, single submitter. Criteria: Invitae Variant Classification Sherloc (09022015). Collection method: clinical testing. Allele origin: germline.
Comment: In summary, the available evidence is currently insufficient to determine the role of this variant in disease. Therefore, it has been classified as a Variant of Uncertain Significance. Experimental studies and prediction algorithms are not available or were not evaluated, and the functional significance of this variant is currently unknown. This variant has not been reported in the literature in individuals affected with C2CD3-related conditions. This variant is not present in population databases (gnomAD no frequency). This sequence change replaces serine, which is neutral and polar, with arginine, which is basic and polar, at codon 2089 of the C2CD3 protein (p.Ser2089Arg). The C2CD3 gene has multiple clinically relevant transcripts. This variant occurs in alternate transcript NM_001286577.1, and corresponds to NM_015531.5:c.*705T>A in the primary transcript.

NM_001286577.2(C2CD3):c.6267T>A (p.Ser2089Arg)

Gene: C2CD3 (C2 domain containing 3 centriole elongation regulator; minus strand). Cytogenetic location: 11q13.4.
Variant type: single nucleotide variant.
Coding change: c.6267T>A on transcript NM_001286577.2 (MANE Select); coding-DNA position 6267, T replaced by A.
Protein change: p.Ser2089Arg; replaces serine 2089 with arginine.
Molecular consequence: missense variant.
Genome position (GRCh38, 1-based): chr11:74,033,893, A>T on the plus strand (T>A on the coding strand, the complement: C2CD3 is on the minus strand). VCF-style: chr11-74033893-A-T. GRCh37 (hg19) VCF-style: chr11-73744938-A-T.
Other names: short protein forms S2089R.
Identifiers: ClinVar variation 2012289 (VCV002012289.4), dbSNP rs2496201819, ClinGen allele CA381820889.